The following is an entry in ClinVar:

ClinVar aggregate classification (germline): Conflicting classifications of pathogenicity. Review status: criteria provided, conflicting classifications (1 of 4 stars). 7 submissions from 7 submitters: Uncertain significance (6); Likely benign (1). Last evaluated 2026-05-05.

Conditions:
TTN-related disorder. Also called: TTN-related condition; TTN-related disease; TTN-related disorders.
Dilated cardiomyopathy 1G (CMD1G). Identifiers: Orphanet 154, MedGen C1858763, MONDO:0011400, OMIM 604145.
Autosomal recessive limb-girdle muscular dystrophy type 2J (LGMDR10). Also called: Limb-girdle muscular dystrophy, type 2J; MUSCULAR DYSTROPHY, LIMB-GIRDLE, AUTOSOMAL RECESSIVE 10. Identifiers: Orphanet 140922, MedGen C1837342, MONDO:0012127, OMIM 608807.
Left ventricular noncompaction 2. Also called: LVNC2. Identifiers: Orphanet 54260, MedGen C1836118, MONDO:0012285, OMIM 609470.

Allele frequency attached by ClinVar (database versions not stated): gnomAD 0.00004; gnomAD exomes 0.00005; TOPMed 0.00006; ExAC 0.00007; ESP Exome Variant Server 0.00008.
gnomAD v4.1: 157 of 1,613,994 alleles (0.0097%); highest among the groups gnomAD compares: South Asian, 0.012%; no homozygotes.

Submissions (7):

PreventionGenetics, part of Exact Sciences
Classification: Uncertain significance for TTN-related condition. Last evaluated: 2026-05-05. Review status: criteria provided, single submitter. Criteria: ACMG Guidelines, 2015. Collection method: clinical testing. Allele origin: germline.
Comment: The TTN c.104978C>T variant is predicted to result in the amino acid substitution p.Thr34993Met. To our knowledge, this variant has not been reported in the literature in individuals affected with TTN-related conditions. This variant is reported in 0.016% of alleles in individuals of South Asian descent in gnomAD and has conflicting interpretations regarding its pathogenicity in ClinVar, ranging from likely benign to uncertain (Variation ID: 203088). Although we suspect that this variant may be benign, at this time, the clinical significance of this variant is uncertain due to the absence of conclusive functional and genetic evidence.

Labcorp Genetics (formerly Invitae), Labcorp
Classification: Uncertain significance for Dilated cardiomyopathy 1G; Autosomal recessive limb-girdle muscular dystrophy type 2J. Last evaluated: 2026-01-26. Review status: criteria provided, single submitter. Criteria: Invitae Variant Classification Sherloc (09022015). Collection method: clinical testing. Allele origin: germline.
Comment: This sequence change replaces threonine, which is neutral and polar, with methionine, which is neutral and non-polar, at codon 34993 of the TTN protein (p.Thr34993Met). This variant is present in population databases (rs368945564, gnomAD 0.02%). This variant has not been reported in the literature in individuals affected with TTN-related conditions. ClinVar contains an entry for this variant (Variation ID: 203088). An algorithm developed to predict the effect of missense changes on protein structure and function outputs the following: PolyPhen-2: "Not Available". The methionine amino acid residue is found in multiple mammalian species, which suggests that this missense change does not adversely affect protein function. This variant is located in the M band of TTN (PMID: 25589632). Non-truncating variants in this region may be relevant for neuromuscular disorders, but have not been definitively shown to cause cardiomyopathy (PMID: 23975875). In summary, the available evidence is currently insufficient to determine the role of this variant in disease. Therefore, it has been classified as a Variant of Uncertain Significance.

Women's Health and Genetics/Laboratory Corporation of America, LabCorp
Classification: Uncertain significance. Last evaluated: 2025-03-24. Review status: criteria provided, single submitter. Criteria: LabCorp Variant Classification Summary - May 2015. Collection method: clinical testing. Allele origin: germline.
Comment: Variant summary: TTN c.97274C>T (p.Thr32425Met) results in a non-conservative amino acid change in the encoded protein sequence. Four of five in-silico tools predict a benign effect of the variant on protein function. The variant allele was found at a frequency of 5.2e-05 in 249020 control chromosomes. This frequency is not significantly higher than estimated for a pathogenic variant in TTN causing Dilated Cardiomyopathy (5.2e-05 vs 0.00039), allowing no conclusion about variant significance. To our knowledge, no occurrence of c.97274C>T in individuals affected with Dilated Cardiomyopathy and no experimental evidence demonstrating its impact on protein function have been reported. ClinVar contains an entry for this variant (Variation ID: 203088). Based on the evidence outlined above, the variant was classified as uncertain significance.

Revvity Omics, Revvity
Classification: Uncertain significance. Last evaluated: 2021-10-13. Review status: criteria provided, single submitter. Criteria: ACMG Guidelines, 2015. Collection method: clinical testing. Allele origin: germline.

GeneDx
Classification: Likely benign. Last evaluated: 2021-01-14. Review status: criteria provided, single submitter. Criteria: GeneDx Variant Classification Process June 2021. Collection method: clinical testing. Allele origin: germline. Affected: yes.

Baylor Genetics
Classification: Uncertain significance for Left ventricular noncompaction 2. Last evaluated: 2019-08-05. Review status: criteria provided, single submitter. Criteria: ACMG Guidelines, 2015. Collection method: clinical testing. Allele origin: unknown. Affected: yes.
Comment: This variant was determined to be of uncertain significance according to ACMG Guidelines, 2015 [PMID:25741868].

Eurofins Ntd Llc (ga)
Classification: Uncertain significance. Last evaluated: 2017-02-08. Review status: criteria provided, single submitter. Criteria: EGL Classification Definitions 2015. Collection method: clinical testing. Allele origin: germline. Observed: 1 variant allele, 1 heterozygote.

Literature cited by the submitters: PubMed 25589632 (cited by Labcorp Genetics (formerly Invitae), Labcorp); PubMed 23975875 (cited by Labcorp Genetics (formerly Invitae), Labcorp).

NM_001267550.2(TTN):c.104978C>T (p.Thr34993Met)

Genes: TTN (titin; minus strand), TTN-AS1 (TTN antisense RNA 1; plus strand). Cytogenetic location: 2q31.2.
Variant type: single nucleotide variant.
Coding change: c.104978C>T on transcript NM_001267550.2 (MANE Select); coding-DNA position 104978, C replaced by T.
Protein change: p.Thr34993Met; replaces threonine 34993 with methionine.
Molecular consequence: missense variant.
Genome position (GRCh38, 1-based): chr2:178,531,637, G>A on the plus strand (C>T on the coding strand, the complement: TTN is on the minus strand). VCF-style: chr2-178531637-G-A. GRCh37 (hg19) VCF-style: chr2-179396364-G-A.
Other names: p.T33352M:ACG>ATG; c.100055C>T, p.Thr33352Met (NM_001256850.1); c.77783C>T, p.Thr25928Met (NM_003319.4); c.97274C>T, p.Thr32425Met (NM_133378.4); c.78158C>T, p.Thr26053Met (NM_133432.3); c.78359C>T, p.Thr26120Met (NM_133437.4); short protein forms T33352M, T34993M, T32425M, T26053M, T26120M, T25928M.
Identifiers: ClinVar variation 203088 (VCV000203088.21), dbSNP rs368945564, ClinGen allele CA311202.
Genomic context (GRCh38, chr2:178,531,637, plus strand): 5'-CGGTAGGTTCCACTGTCATCAGTATGACAGTCCAGAATTTCCAGGGTGAGGACTCCACTC[G>A]TGTTGGTGTAATGAATCTTACTGCTTTCTTGGAGTTCCACACCATTGTGGTACCATTTAA-3'
Protein context (NP_001254479.2, residues 34983-35003): QESSKIHYTN[Thr34993Met]SGVLTLEILD